The following is an entry in ClinVar:

ClinVar aggregate classification (germline): Likely pathogenic. Review status: reviewed by expert panel (3 of 4 stars). 3 submissions from 3 submitters: Likely pathogenic (1). 2 of the submissions do not count toward it. Last evaluated 2024-10-28.

Conditions:
Mitochondrial complex IV deficiency, nuclear type 1 (MC4DN1). Also called: COX DEFICIENCY; Mitochondrial complex IV deficiency; Complex 4 mitochondrial respiratory chain deficiency; Deficiency of mitochondrial respiratory chain complex4; Complex IV deficiency. Identifiers: MedGen C5435656, MONDO:0700250, OMIM 220110. Disease mechanism: loss of function.
Mitochondrial disease. Also called: Mitochondrial disorders; Mitochondrial disorder. Identifiers: Orphanet 68380, MedGen C0751651, MeSH D028361, MONDO:0044970.
neonatal lactic acidosis. Identifiers: MedGen CN231227.

Submissions (3):

ClinGen Mitochondrial Disease Nuclear and Mitochondrial  Variant Curation Expert Panel, ClinGen
Classification: Likely pathogenic for Mitochondrial disease. Last evaluated: 2024-10-28. Review status: reviewed by expert panel. Criteria: clingen mito disease acmg specifications v1-1. Collection method: curation. Allele origin: germline. Inheritance: Mitochondrial inheritance.
Comment: The m.7453G>A variant in MT-TS1 has been reported in three individuals with primary mitochondrial disease (PMIDs: 22453297, 32313153, 33279600; PS4_moderate). Two presented with neonatal lactic acidosis. This child had severely decreased amounts of fully assembled complex I in heart, complex I deficiency in skeletal muscle and liver, and complex IV deficiency in brain, heart, liver, and skeletal muscle. There was combined complex I/IV deficiency in skeletal muscle. The variant was homoplasmic in blood (PMID: 32313153). The third reported case had myopathy onset early in life, and was described as having high heteroplasmy levels of the variant in skeletal muscle, urine, and buccal mucosa (PMID: 33279600). This variant is absent in the GenBank dataset. There are two heteroplasmic occurrences in gnomAD v3.1.2 and two heteroplasmic occurrences in the Helix dataset (PM2_supporting). MitoTIP predicts the variant is possibly pathogenic (68th percentile) and HmtVAR predicts the variant is pathogenic (score of 0.35; PP3). Single fiber testing showed higher levels of the variant in COX-negative fibers (96.7%, n=14) than in non-COX-positive fibers (25.1%, n=14) p<0.0001 (PMID: 33279600). Additionally, cybrid studies showed reduction in tRNASer(UCN) levels and reduced oxygen consumption in mutant cybrids (PS3_moderate; PMID: 33279600). In summary, this variant meets criteria to be classified as likely pathogenic for primary mitochondrial disease inherited in a mitochondrial manner. This classification was approved by the NICHD/NINDS U24 ClinGen Mitochondrial Disease Variant Curation Expert Panel on October 28, 2024. Mitochondrial DNA-specific ACMG/AMP criteria applied (PMID: 32906214): PS4_moderate, PM6_supporting, PM2_supporting, PP3, PS3_moderate.

Mendelics
Classification: Pathogenic for Mitochondrial complex IV deficiency, nuclear type 1. Last evaluated: 2022-05-04. Review status: criteria provided, single submitter. Criteria: Mendelics Assertion Criteria 2019. Collection method: clinical testing. Allele origin: germline. Not counted in ClinVar's aggregate classification.

Kids Research, The Children's Hospital at Westmead
Classification: Likely pathogenic for Neonatal lactic acidosis. Review status: criteria provided, single submitter. Criteria: ACMG Guidelines, 2015. Collection method: research. Allele origin: maternal. Inheritance: Mitochondrial inheritance. Affected: yes. Not counted in ClinVar's aggregate classification.

Literature cited by the submitters: PubMed 33279600 (cited by ClinGen Mitochondrial Disease Nuclear and Mitochondrial  Variant Curation Expert Panel, ClinGen); PubMed 32313153 (cited by Kids Research, The Children's Hospital at Westmead).

NC_012920.1(MT-TS1):m.7453G>A

Gene: MT-TS1 (mitochondrially encoded tRNA serine 1 (UCN); minus strand).
Variant type: single nucleotide variant.
Genome position: chrM-7453-G-A.
Identifiers: ClinVar variation 869395 (VCV000869395.3), dbSNP rs2068703521, ClinGen allele CA658498409.